The following is an entry in ClinVar:

ClinVar aggregate classification (germline): Likely benign (1 of 4 stars; one submission).

Submission:

CeGaT Center for Human Genetics Tuebingen
Classification: Likely benign. Last evaluated: 2026-05-01. Review status: criteria provided, single submitter. Criteria: CeGaT Center For Human Genetics Tuebingen Variant Classification Criteria Version 2. Collection method: clinical testing. Allele origin: germline. Affected: yes. Observed: 1 variant allele.
Comment: RHOBTB2: BP4, BP7

NM_015178.3(RHOBTB2):c.1152T>A (p.Arg384=)

Gene: RHOBTB2 (Rho related BTB domain containing 2; plus strand). Cytogenetic location: 8p21.3.
Variant type: single nucleotide variant.
Coding change: c.1152T>A on transcript NM_015178.3 (MANE Select); coding-DNA position 1152, T replaced by A.
Protein change: p.Arg384=; no amino-acid change (arginine 384 retained).
Molecular consequence: synonymous variant.
Genome position (GRCh38, 1-based): chr8:23,007,397, T>A. VCF-style: chr8-23007397-T-A. GRCh37 (hg19) VCF-style: chr8-22864910-T-A.
Other names: c.1218T>A, p.Arg406= (NM_001160036.2); c.1173T>A, p.Arg391= (NM_001160037.2); c.1152T>A, p.Arg384= (NM_001374791.1).
Identifiers: ClinVar variation 4872810 (VCV004872810.2).